The following is an entry in ClinVar:

ClinVar aggregate classification (germline): Likely benign (1 of 4 stars; one submission).

Allele frequency attached by ClinVar (database versions not stated): TOPMed 0.00009; ESP Exome Variant Server 0.00015; gnomAD 0.00017; 1000 Genomes Project 30x 0.00125; 1000 Genomes Project 0.00140.
gnomAD v4.1: 679 of 1,612,150 alleles (0.042%); highest among the groups gnomAD compares: South Asian, 0.62%; 3 homozygotes.

Submission:

CeGaT Center for Human Genetics Tuebingen
Classification: Likely benign. Last evaluated: 2022-08-01. Review status: criteria provided, single submitter. Criteria: CeGaT Center For Human Genetics Tuebingen Variant Classification Criteria Version 2. Collection method: clinical testing. Allele origin: germline. Affected: yes. Observed: 1 variant allele.
Comment: INTS5: BP4, BP7

NM_030628.2(INTS5):c.2556C>T (p.Arg852=)

Gene: INTS5 (integrator complex subunit 5; minus strand). Cytogenetic location: 11q12.3.
Variant type: single nucleotide variant.
Coding change: c.2556C>T on transcript NM_030628.2 (MANE Select); coding-DNA position 2556, C replaced by T.
Protein change: p.Arg852=; no amino-acid change (arginine 852 retained).
Molecular consequence: synonymous variant.
Genome position (GRCh38, 1-based): chr11:62,647,524, G>A on the plus strand (C>T on the coding strand, the complement: INTS5 is on the minus strand). VCF-style: chr11-62647524-G-A. GRCh37 (hg19) VCF-style: chr11-62414996-G-A.
Identifiers: ClinVar variation 2641885 (VCV002641885.24), dbSNP rs372461151, ClinGen allele CA6051398.